The following is an entry in ClinVar:

ClinVar aggregate classification (germline): Uncertain significance. Review status: criteria provided, multiple submitters, no conflicts (2 of 4 stars). 2 submissions from 2 submitters: Uncertain significance (2). Last evaluated 2024-09-23.

Conditions:
Baller-Gerold syndrome (BGS). Also called: CRANIOSYNOSTOSIS WITH RADIAL DEFECTS. Identifiers: Orphanet 1225, MedGen C0265308, MONDO:0009039, OMIM 218600.

Submissions (2):

Labcorp Genetics (formerly Invitae), Labcorp
Classification: Uncertain significance for Baller-Gerold syndrome. Last evaluated: 2024-09-23. Review status: criteria provided, single submitter. Criteria: Invitae Variant Classification Sherloc (09022015). Collection method: clinical testing. Allele origin: germline.
Comment: This sequence change replaces serine, which is neutral and polar, with glycine, which is neutral and non-polar, at codon 257 of the RECQL4 protein (p.Ser257Gly). This variant is not present in population databases (gnomAD no frequency). This variant has not been reported in the literature in individuals affected with RECQL4-related conditions. ClinVar contains an entry for this variant (Variation ID: 459514). Invitae Evidence Modeling of protein sequence and biophysical properties (such as structural, functional, and spatial information, amino acid conservation, physicochemical variation, residue mobility, and thermodynamic stability) indicates that this missense variant is not expected to disrupt RECQL4 protein function with a negative predictive value of 80%. In summary, the available evidence is currently insufficient to determine the role of this variant in disease. Therefore, it has been classified as a Variant of Uncertain Significance.

Breakthrough Genomics
Classification: Uncertain significance. Review status: criteria provided, single submitter. Criteria: ACMG Guidelines, 2015. Collection method: not provided. Allele origin: germline. Inheritance: Autosomal recessive inheritance. Affected: yes.

NM_004260.4(RECQL4):c.769A>G (p.Ser257Gly)

Gene: RECQL4 (RecQ like helicase 4; minus strand). Cytogenetic location: 8q24.3.
Variant type: single nucleotide variant.
Coding change: c.769A>G on transcript NM_004260.4 (MANE Select); coding-DNA position 769, A replaced by G.
Protein change: p.Ser257Gly; replaces serine 257 with glycine.
Molecular consequence: missense variant.
Genome position (GRCh38, 1-based): chr8:144,516,350, T>C on the plus strand (A>G on the coding strand, the complement: RECQL4 is on the minus strand). VCF-style: chr8-144516350-T-C. GRCh37 (hg19) VCF-style: chr8-145741734-T-C.
Other names: short protein forms S257G.
Identifiers: ClinVar variation 459514 (VCV000459514.9), dbSNP rs748671989, ClinGen allele CA372689318.